The following is an entry in ClinVar:

NM_014956.5(CEP164):c.3278+2T>G

Gene: CEP164 (centrosomal protein 164; plus strand). Cytogenetic location: 11q23.3.
Variant type: single nucleotide variant.
Coding change: c.3278+2T>G on transcript NM_014956.5 (MANE Select); the canonical splice donor site of the intron after coding-DNA position 3278, T replaced by G.
Molecular consequence: splice donor variant.
Genome position (GRCh38, 1-based): chr11:117,396,613, T>G. VCF-style: chr11-117396613-T-G. GRCh37 (hg19) VCF-style: chr11-117267329-T-G.
Other names: c.3287+2T>G (NM_001271933.2); c.3119+2T>G (NM_001440972.1); c.3284+2T>G (NM_001440949.1); c.3140+2T>G (NM_001440967.1, NM_001440961.1); c.3191+2T>G (NM_001440956.1); c.3278+2T>G (NM_001440950.1, NM_001440953.1, NM_001440951.1); c.3131+2T>G (NM_001440962.1, NM_001440970.1, NM_001440963.1); c.3128+2T>G (NM_001440964.1, NM_001440965.1, NM_001440971.1 and 1 more transcripts); and 13 more.
Identifiers: ClinVar variation 5000779 (VCV005000779.1).
Genomic context (GRCh38, chr11:117,396,613, plus strand): 5'-CAGACCAAAGAGGTGTCTTCTTCTCTCTCCCAGAGCAAGGAGGACTTATACTTGGACAGG[T>G]GAGTTCCCATAGCCTGTCTTATTTGAGGTTAGGGTACCATGAAGGGGTAAGTGAGTACCT-3'

ClinVar aggregate classification (germline): Likely pathogenic (1 of 4 stars; one submission).

Conditions:
CEP164-related disorder. Also called: CEP164-related condition.

gnomAD v4.1: 1 of 1,609,850 alleles (0.000062%); highest among the groups gnomAD compares: Admixed American, 0.0017%; no homozygotes.

Submission:

PreventionGenetics, part of Exact Sciences
Classification: Likely pathogenic for CEP164-related condition. Last evaluated: 2025-02-17. Review status: criteria provided, single submitter. Criteria: ACMG Guidelines, 2015. Collection method: clinical testing. Allele origin: germline.
Comment: The CEP164 c.3278+2T>G variant is predicted to disrupt the GT donor site and interfere with normal splicing. To our knowledge, this variant has not been reported in the literature or in a large population database (gnomAD), indicating this variant is rare. Variants that disrupt the consensus splice donor site in CEP164 are expected to be pathogenic. This variant is interpreted as likely pathogenic.